The following is an entry in ClinVar:

ClinVar aggregate classification (germline): Conflicting classifications of pathogenicity. Review status: criteria provided, conflicting classifications (1 of 4 stars). 2 submissions from 2 submitters: Uncertain significance (1); Likely benign (1). Last evaluated 2026-01-18.

Conditions:
Hereditary cancer-predisposing syndrome. Also called: Neoplastic Syndromes, Hereditary; Tumor predisposition; Hereditary Cancer Syndrome; Hereditary neoplastic syndrome. Identifiers: Orphanet 140162, MedGen C0027672, MeSH D009386, MONDO:0015356.
Cardiovascular phenotype. Identifiers: MedGen CN230736.

Allele frequency attached by ClinVar (database versions not stated): TOPMed 0.00001.
gnomAD v4.1: 2 of 1,556,944 alleles (0.00013%); highest among the groups gnomAD compares: Non-Finnish European, 0.000087%; no homozygotes.

Submissions (2):

Labcorp Genetics (formerly Invitae), Labcorp
Classification: Uncertain significance. Last evaluated: 2026-01-18. Review status: criteria provided, single submitter. Criteria: Invitae Variant Classification Sherloc (09022015). Collection method: clinical testing. Allele origin: germline.
Comment: This sequence change replaces serine, which is neutral and polar, with asparagine, which is neutral and polar, at codon 6 of the LZTR1 protein (p.Ser6Asn). This variant is not present in population databases (gnomAD no frequency). This variant has not been reported in the literature in individuals affected with LZTR1-related conditions. ClinVar contains an entry for this variant (Variation ID: 1780366). Invitae Evidence Modeling of protein sequence and biophysical properties (such as structural, functional, and spatial information, amino acid conservation, physicochemical variation, residue mobility, and thermodynamic stability) has been performed for this missense variant. However, the output from this modeling did not meet the statistical confidence thresholds required to predict the impact of this variant on LZTR1 protein function. In summary, the available evidence is currently insufficient to determine the role of this variant in disease. Therefore, it has been classified as a Variant of Uncertain Significance.

Ambry Genetics
Classification: Likely benign for Cardiovascular phenotype; Hereditary cancer-predisposing syndrome. Last evaluated: 2024-03-05. Review status: criteria provided, single submitter. Criteria: Ambry Variant Classification Scheme 2023. Collection method: clinical testing. Allele origin: germline.

NM_006767.4(LZTR1):c.17G>A (p.Ser6Asn)

Genes: LZTR1 (leucine zipper like post translational regulator 1; plus strand), LOC130067016 (ATAC-STARR-seq lymphoblastoid silent region 13504; plus strand). Cytogenetic location: 22q11.21.
Variant type: single nucleotide variant.
Coding change: c.17G>A on transcript NM_006767.4 (MANE Select); coding-DNA position 17, G replaced by A.
Protein change: p.Ser6Asn; replaces serine 6 with asparagine.
Molecular consequence: missense variant.
Genome position (GRCh38, 1-based): chr22:20,982,388, G>A. VCF-style: chr22-20982388-G-A. GRCh37 (hg19) VCF-style: chr22-21336677-G-A.
Other names: short protein forms S6N.
Identifiers: ClinVar variation 1780366 (VCV001780366.4), dbSNP rs1169396415, ClinGen allele CA410777427.